The following is an entry in ClinVar:

NM_000051.4(ATM):c.6226A>G (p.Ile2076Val)

Genes: ATM (ATM serine/threonine kinase; plus strand), C11orf65 (chromosome 11 open reading frame 65; minus strand). Cytogenetic location: 11q22.3.
Variant type: single nucleotide variant.
Coding change: c.6226A>G on transcript NM_000051.4 (MANE Select); coding-DNA position 6226, A replaced by G.
Protein change: p.Ile2076Val; replaces isoleucine 2076 with valine.
Molecular consequence: missense variant. On other transcripts: intron variant (2).
Genome position (GRCh38, 1-based): chr11:108,317,400, A>G. VCF-style: chr11-108317400-A-G. GRCh37 (hg19) VCF-style: chr11-108188127-A-G.
Other names: c.6226A>G, p.Ile2076Val (NM_001351834.2); c.641-8329T>C (NM_001330368.2); c.*39-8329T>C (NM_001351110.2); short protein forms I2076V.
Identifiers: ClinVar variation 234090 (VCV000234090.69), dbSNP rs755973863, ClinGen allele CA6265897.

ClinVar aggregate classification (germline): Conflicting classifications of pathogenicity. Review status: criteria provided, conflicting classifications (1 of 4 stars). 12 submissions from 12 submitters: Uncertain significance (8); Likely benign (1). 3 of the submissions do not count toward it. Last evaluated 2026-01-18.

Conditions:
ATM-related disorder. Also called: ATM-related disorders; ATM-related condition.
Hereditary cancer-predisposing syndrome. Also called: Neoplastic Syndromes, Hereditary; Hereditary neoplastic syndrome; Tumor predisposition; Hereditary Cancer Syndrome. Identifiers: Orphanet 140162, MedGen C0027672, MeSH D009386, MONDO:0015356.
Familial cancer of breast. Also called: hereditary breast carcinoma; Hereditary breast cancer; BREAST CANCER, FAMILIAL. Identifiers: Orphanet 227535, MedGen C0346153, MONDO:0016419, OMIM 114480. Disease mechanism: loss of function.
Ataxia-telangiectasia syndrome (AT). Also called: Ataxia telangiectasia (A-T); Cerebello-oculocutaneous telangiectasia; Immunodeficiency with ataxia telangiectasia; LOUIS-BAR SYNDROME; AT, COMPLEMENTATION GROUP C; ATAXIA-TELANGIECTASIA, FRESNO VARIANT. Identifiers: Orphanet 100, MedGen C0004135, MONDO:0008840, OMIM 208900.

Allele frequency attached by ClinVar (database versions not stated): gnomAD exomes 0.00001; TOPMed below 0.00001; ExAC 0.00001.
gnomAD v4.1: 8 of 1,612,334 alleles (0.0005%); highest among the groups gnomAD compares: Non-Finnish European, 0.00068%; no homozygotes.

Submissions (12):

Labcorp Genetics (formerly Invitae), Labcorp
Classification: Uncertain significance for Ataxia-telangiectasia syndrome. Last evaluated: 2026-01-18. Review status: criteria provided, single submitter. Criteria: Invitae Variant Classification Sherloc (09022015). Collection method: clinical testing. Allele origin: germline.
Comment: This sequence change replaces isoleucine, which is neutral and non-polar, with valine, which is neutral and non-polar, at codon 2076 of the ATM protein (p.Ile2076Val). This variant is present in population databases (rs755973863, gnomAD 0.003%). This missense change has been observed in individual(s) with breast cancer, colorectal cancer, and/or ovarian cancer (PMID: 16832357, 25186627, 28135145, 34299313). ClinVar contains an entry for this variant (Variation ID: 234090). Invitae Evidence Modeling of protein sequence and biophysical properties (such as structural, functional, and spatial information, amino acid conservation, physicochemical variation, residue mobility, and thermodynamic stability) indicates that this missense variant is not expected to disrupt ATM protein function with a negative predictive value of 95%. In summary, the available evidence is currently insufficient to determine the role of this variant in disease. Therefore, it has been classified as a Variant of Uncertain Significance.

Color Diagnostics, LLC DBA Color Health
Classification: Uncertain significance for Hereditary cancer-predisposing syndrome. Last evaluated: 2025-11-19. Review status: criteria provided, single submitter. Criteria: ACMG Guidelines, 2015. Collection method: clinical testing. Allele origin: germline.
Comment: This missense variant replaces isoleucine with valine at codon 2076 of the ATM protein. Computational prediction suggests that this variant may not impact protein structure and function. To our knowledge, functional studies have not been reported for this variant. This variant has been reported in individuals affected with breast cancer and colorectal cancer (PMID: 25186627, 28135145, 33471991, 34299313, 38136308). This variant has been identified in 8/1612334 chromosomes in the general population by the Genome Aggregation Database (gnomAD). The available evidence is insufficient to determine the role of this variant in disease conclusively. Therefore, this variant is classified as a Variant of Uncertain Significance.

Women's Health and Genetics/Laboratory Corporation of America, LabCorp
Classification: Uncertain significance. Last evaluated: 2025-10-31. Review status: criteria provided, single submitter. Criteria: LabCorp Variant Classification Summary - May 2015. Collection method: clinical testing. Allele origin: germline.
Comment: Variant summary: ATM c.6226A>G (p.Ile2076Val) results in a conservative amino acid change in the encoded protein sequence. Algorithms developed to predict the effect of missense changes on protein structure and function are either unavailable or do not agree on the potential impact of this missense change. The variant allele was found at a frequency of 1.2e-05 in 251394 control chromosomes. The available data on variant occurrences in the general population are insufficient to allow any conclusion about variant significance. c.6226A>G has been reported in the literature in individuals receiving multiple-gene panel testing for Colorectal Cancer or unspecified condition involving DNA repair pathways, as well as in at least 1 individual in a cohort with breast cancer without strong evidence for causality (example, Yurgelun_2017, Guglielmi_2021, Renwick_2006). In a large study evaluating breast cancer cases and controls in the Breast Cancer Association Consortium (BCAC), the variant was reported in 1/60466 cases, not in 53461 controls (Dorling_2021 through LOVD).These report(s) do not provide unequivocal conclusions about association of the variant with ATM-related conditions. To our knowledge, no experimental evidence demonstrating an impact on protein function has been reported. The following publications have been ascertained in the context of this evaluation (PMID: 33471991, 34299313, 28135145, 38136308, 28652578, 28302137, 16832357, 25186627). ClinVar contains an entry for this variant (Variation ID: 234090). Based on the evidence outlined above, the variant was classified as uncertain significance.

Quest Diagnostics Nichols Institute San Juan Capistrano
Classification: Uncertain significance. Last evaluated: 2025-06-30. Review status: criteria provided, single submitter. Criteria: Quest Diagnostics criteria. Collection method: clinical testing. Allele origin: unknown.

Molecular Pathology, Peter Maccallum Cancer Centre
Classification: Uncertain significance for Ataxia-telangiectasia syndrome. Last evaluated: 2025-06-12. Review status: criteria provided, single submitter. Criteria: ACMG Guidelines, 2015. Collection method: clinical testing. Allele origin: germline. Inheritance: Autosomal recessive inheritance.

Ambry Genetics
Classification: Likely benign for Hereditary cancer-predisposing syndrome. Last evaluated: 2024-07-17. Review status: criteria provided, single submitter. Criteria: Ambry Variant Classification Scheme 2023. Collection method: clinical testing. Allele origin: germline.

GeneDx
Classification: Uncertain significance. Last evaluated: 2023-10-18. Review status: criteria provided, single submitter. Criteria: GeneDx Variant Classification Process June 2021. Collection method: clinical testing. Allele origin: germline. Affected: yes.
Comment: Not observed at significant frequency in large population cohorts (gnomAD); This variant is associated with the following publications: (PMID: 23532176, 28135145, 16832357, 34299313)

Fulgent Genetics
Classification: Uncertain significance for Familial cancer of breast; Ataxia-telangiectasia syndrome. Last evaluated: 2022-05-18. Review status: criteria provided, single submitter. Criteria: ACMG Guidelines, 2015. Collection method: clinical testing. Allele origin: unknown.

MGZ Medical Genetics Center
Classification: Uncertain significance for Familial cancer of breast. Last evaluated: 2022-05-13. Review status: criteria provided, single submitter. Criteria: ACMG Guidelines, 2015. Collection method: clinical testing. Allele origin: germline. Affected: yes. Observed: 1 variant allele.
Comment: ACMG criteria applied: PM2_SUP, BP4

PreventionGenetics, part of Exact Sciences
Classification: Uncertain significance for ATM-related condition. Last evaluated: 2024-06-23. Review status: no assertion criteria provided. Collection method: clinical testing. Allele origin: germline. Not counted in ClinVar's aggregate classification.
Comment: The ATM c.6226A>G variant is predicted to result in the amino acid substitution p.Ile2076Val. This variant was reported in individuals with colorectal cancer or breast cancer (Yurgelun et al. 2017. PubMed ID: 28135145; Tung N et al. 2014. PubMed ID: 25186627; Guglielmi C et al. 2021. PubMed ID: 34299313). This variant is reported in 0.0026% of alleles in individuals of European (Non-Finnish) descent in gnomAD. This variant is classified as a variant of uncertain significance by multiple submitters in ClinVar. At this time, the clinical significance of this variant is uncertain due to the absence of conclusive functional and genetic evidence.

Natera, Inc.
Classification: Uncertain significance for Ataxia-telangiectasia. Last evaluated: 2020-09-16. Review status: no assertion criteria provided. Collection method: clinical testing. Allele origin: germline. Not counted in ClinVar's aggregate classification.

Counsyl
Classification: Uncertain significance for Ataxia-telangiectasia syndrome. Last evaluated: 2018-06-05. Review status: no assertion criteria provided. Collection method: clinical testing. Allele origin: unknown. Not counted in ClinVar's aggregate classification.

Literature cited by the submitters: PubMed 16832357 (cited by 3 submitters); PubMed 25186627 (cited by 3 submitters); PubMed 28135145 (cited by 3 submitters); PubMed 34299313 (cited by 4 submitters); PubMed 33471991 (cited by Color Diagnostics, LLC DBA Color Health and Women's Health and Genetics/Laboratory Corporation of America, LabCorp); PubMed 38136308 (cited by Color Diagnostics, LLC DBA Color Health and Women's Health and Genetics/Laboratory Corporation of America, LabCorp); PubMed 28652578 (cited by Women's Health and Genetics/Laboratory Corporation of America, LabCorp); PubMed 28302137 (cited by Women's Health and Genetics/Laboratory Corporation of America, LabCorp).